The following is an entry in ClinVar:

NM_031844.3(HNRNPU):c.266_283dup (p.Glu89_Glu94dup)

Gene: HNRNPU (heterogeneous nuclear ribonucleoprotein U; minus strand). Cytogenetic location: 1q44.
Variant type: Duplication.
Coding change: c.266_283dup on transcript NM_031844.3 (MANE Select); coding-DNA positions 266 to 283, 18 bases duplicated (AGGAAGAGGAGGAGGAAG).
Protein change: p.Glu89_Glu94dup.
Molecular consequence: inframe insertion.
Genome position (GRCh38, 1-based): chr1:244,864,025-244,864,042, CTTCCTCCTCCTCTTCCT duplicated on the plus strand (AGGAAGAGGAGGAGGAAG on the coding strand, the reverse complement: HNRNPU is on the minus strand); duplicating any 18 consecutive bases within chr1:244,864,025-244,864,058 gives the same sequence; the c. name uses the placement nearest the transcript's 3' end. VCF-style (leftmost placement, unchanged base first): chr1-244864024-C-CCTTCCTCCTCCTCTTCCT. GRCh37 (hg19) VCF-style: chr1-245027326-C-CCTTCCTCCTCCTCTTCCT.
Other names: c.266_283dup, p.Glu89_Glu94dup (NM_004501.3).
Identifiers: ClinVar variation 1308526 (VCV001308526.4), dbSNP rs1558190683, ClinGen allele CA2573051547.
Genomic context (GRCh38, chr1:244,864,024, plus strand): 5'-GCCCCCGCGGCCCCGTTCTCCTCTCCTAGCTCCATCTGGTCGCCGTCCAGAGCGGAGATT[C>CCTTCCTCCTCCTCTTCCT]CTTCCTCCTCCTCTTCCTCTTCCTCCTCCTCTTCATCGCCGCCGGCCGCGGCCTCCTGCT-3'

ClinVar aggregate classification (germline): Uncertain significance. Review status: criteria provided, multiple submitters, no conflicts (2 of 4 stars). 2 submissions from 2 submitters: Uncertain significance (2). Last evaluated 2024-09-26.

Conditions:
Developmental and epileptic encephalopathy, 54. Also called: HNRNPU-Related Neurodevelopmental Disorder; Epileptic encephalopathy, early infantile, 54. Identifiers: MedGen C4479319, MONDO:0033363, OMIM 617391.

Submissions (2):

Labcorp Genetics (formerly Invitae), Labcorp
Classification: Uncertain significance for Developmental and epileptic encephalopathy, 54. Last evaluated: 2024-09-26. Review status: criteria provided, single submitter. Criteria: Invitae Variant Classification Sherloc (09022015). Collection method: clinical testing. Allele origin: germline.
Comment: This variant, c.266_283dup, results in the insertion of 6 amino acid(s) of the HNRNPU protein (p.Glu89_Glu94dup), but otherwise preserves the integrity of the reading frame. This variant is not present in population databases (gnomAD no frequency). This variant has not been reported in the literature in individuals affected with HNRNPU-related conditions. ClinVar contains an entry for this variant (Variation ID: 1308526). In summary, the available evidence is currently insufficient to determine the role of this variant in disease. Therefore, it has been classified as a Variant of Uncertain Significance.

GeneDx
Classification: Uncertain significance. Last evaluated: 2019-03-29. Review status: criteria provided, single submitter. Criteria: GeneDx Variant Classification Process June 2021. Collection method: clinical testing. Allele origin: germline. Affected: yes.
Comment: Has not been previously published as pathogenic or benign to our knowledge; In-frame insertion of 6 amino acids in a non-repeat region; Not observed in large population cohorts (Lek et al., 2016)